The following is an entry in ClinVar:

NM_014633.5(CTR9):c.2951G>A (p.Arg984Gln)

Gene: CTR9 (CTR9 component of Paf1/RNA polymerase II complex; plus strand). Cytogenetic location: 11p15.4.
Variant type: single nucleotide variant.
Coding change: c.2951G>A on transcript NM_014633.5 (MANE Select); coding-DNA position 2951, G replaced by A.
Protein change: p.Arg984Gln; replaces arginine 984 with glutamine.
Molecular consequence: missense variant.
Genome position (GRCh38, 1-based): chr11:10,775,272, G>A. VCF-style: chr11-10775272-G-A. GRCh37 (hg19) VCF-style: chr11-10796819-G-A.
Other names: c.2879G>A, p.Arg960Gln (NM_001346279.2); short protein forms R984Q, R960Q.
Identifiers: ClinVar variation 2893428 (VCV002893428.3), dbSNP rs747232757, ClinGen allele CA379678054.

ClinVar aggregate classification (germline): Uncertain significance (1 of 4 stars; one submission).

Allele frequency attached by ClinVar (database versions not stated): gnomAD 0.00002.
gnomAD v4.1: 28 of 1,613,828 alleles (0.0017%); highest among the groups gnomAD compares: Non-Finnish European, 0.0023%; no homozygotes.

Submission:

Labcorp Genetics (formerly Invitae), Labcorp
Classification: Uncertain significance. Last evaluated: 2023-08-04. Review status: criteria provided, single submitter. Criteria: Invitae Variant Classification Sherloc (09022015). Collection method: clinical testing. Allele origin: germline.
Comment: This sequence change replaces arginine, which is basic and polar, with glutamine, which is neutral and polar, at codon 984 of the CTR9 protein (p.Arg984Gln). This variant is not present in population databases (gnomAD no frequency). This variant has not been reported in the literature in individuals affected with CTR9-related conditions. An algorithm developed to predict the effect of missense changes on protein structure and function (PolyPhen-2) suggests that this variant is likely to be tolerated. In summary, the available evidence is currently insufficient to determine the role of this variant in disease. Therefore, it has been classified as a Variant of Uncertain Significance.